The following is an entry in ClinVar:

NM_006244.4(PPP2R5B):c.1473C>T (p.Ala491=)

Gene: PPP2R5B (protein phosphatase 2 regulatory subunit B'beta; plus strand). Cytogenetic location: 11q13.1.
Variant type: single nucleotide variant.
Coding change: c.1473C>T on transcript NM_006244.4 (MANE Select); coding-DNA position 1473, C replaced by T.
Protein change: p.Ala491=; no amino-acid change (alanine 491 retained).
Molecular consequence: synonymous variant.
Genome position (GRCh38, 1-based): chr11:64,933,823, C>T. VCF-style: chr11-64933823-C-T. GRCh37 (hg19) VCF-style: chr11-64701295-C-T.
Other names: c.1473C>T (NM_006244.3).
Identifiers: ClinVar variation 1600832 (VCV001600832.33), dbSNP rs185359743, ClinGen allele CA6087104.

ClinVar aggregate classification (germline): Benign/Likely benign. Review status: criteria provided, multiple submitters, no conflicts (2 of 4 stars). 4 submissions from 4 submitters: Benign (2); Likely benign (1). 1 of the submissions does not count toward it. Last evaluated 2025-11-15.

Conditions:
PPP2R5B-related disorder. Also called: PPP2R5B-related condition.

Allele frequency attached by ClinVar (database versions not stated): 1000 Genomes Project 0.00180; 1000 Genomes Project 30x 0.00234; ESP Exome Variant Server 0.00306; TOPMed 0.00356; gnomAD 0.00385 and 0.00396; gnomAD exomes 0.00403 and 0.00645; ExAC 0.00517.
gnomAD v4.1: 9,447 of 1,548,048 alleles (0.61%); highest among the groups gnomAD compares: Non-Finnish European, 0.75%; 39 homozygotes.

Submissions (4):

Labcorp Genetics (formerly Invitae), Labcorp
Classification: Benign. Last evaluated: 2025-11-15. Review status: criteria provided, single submitter. Criteria: Invitae Variant Classification Sherloc (09022015). Collection method: clinical testing. Allele origin: germline.

CeGaT Center for Human Genetics Tuebingen
Classification: Likely benign. Last evaluated: 2024-11-01. Review status: criteria provided, single submitter. Criteria: CeGaT Center For Human Genetics Tuebingen Variant Classification Criteria Version 2. Collection method: clinical testing. Allele origin: germline. Affected: yes. Observed: 3 variant alleles.
Comment: PPP2R5B: BP4, BP7, BS2

Breakthrough Genomics
Classification: Benign. Review status: criteria provided, single submitter. Criteria: ACMG Guidelines, 2015. Collection method: not provided. Allele origin: germline. Inheritance: Unknown mechanism. Affected: yes.

PreventionGenetics, part of Exact Sciences
Classification: Likely benign for PPP2R5B-related condition. Last evaluated: 2019-09-20. Review status: no assertion criteria provided. Collection method: clinical testing. Allele origin: germline. Not counted in ClinVar's aggregate classification.
Comment: This variant is classified as likely benign based on ACMG/AMP sequence variant interpretation guidelines (Richards et al. 2015 PMID: 25741868, with internal and published modifications).